The following is an entry in ClinVar:

ClinVar aggregate classification (germline): Uncertain significance. Review status: criteria provided, multiple submitters, no conflicts (2 of 4 stars). 4 submissions from 4 submitters: Uncertain significance (4). Last evaluated 2025-11-13.

Conditions:
Hereditary cancer-predisposing syndrome. Also called: Hereditary neoplastic syndrome; Neoplastic Syndromes, Hereditary; Hereditary Cancer Syndrome; Tumor predisposition. Identifiers: Orphanet 140162, MedGen C0027672, MeSH D009386, MONDO:0015356.
Ataxia-telangiectasia syndrome (AT). Also called: Ataxia-telangiectasia, complementation group D; AT, COMPLEMENTATION GROUP C; Cerebello-oculocutaneous telangiectasia; Immunodeficiency with ataxia telangiectasia; LOUIS-BAR SYNDROME; Ataxia telangiectasia (A-T). Identifiers: Orphanet 100, MedGen C0004135, MONDO:0008840, OMIM 208900.

Submissions (4):

Labcorp Genetics (formerly Invitae), Labcorp
Classification: Uncertain significance for Ataxia-telangiectasia syndrome. Last evaluated: 2025-11-13. Review status: criteria provided, single submitter. Criteria: Invitae Variant Classification Sherloc (09022015). Collection method: clinical testing. Allele origin: germline.
Comment: This sequence change replaces leucine, which is neutral and non-polar, with phenylalanine, which is neutral and non-polar, at codon 174 of the ATM protein (p.Leu174Phe). This variant is not present in population databases (gnomAD no frequency). This variant has not been reported in the literature in individuals affected with ATM-related conditions. ClinVar contains an entry for this variant (Variation ID: 584774). Invitae Evidence Modeling of protein sequence and biophysical properties (such as structural, functional, and spatial information, amino acid conservation, physicochemical variation, residue mobility, and thermodynamic stability) indicates that this missense variant is not expected to disrupt ATM protein function with a negative predictive value of 95%. Algorithms developed to predict the effect of sequence changes on RNA splicing suggest that this variant may disrupt the consensus splice site. In summary, the available evidence is currently insufficient to determine the role of this variant in disease. Therefore, it has been classified as a Variant of Uncertain Significance.

Ambry Genetics
Classification: Uncertain significance for Hereditary cancer-predisposing syndrome. Last evaluated: 2024-09-22. Review status: criteria provided, single submitter. Criteria: Ambry Variant Classification Scheme 2023. Collection method: clinical testing. Allele origin: germline.
Comment: The p.L174F variant (also known as c.520C>T), located in coding exon 5 of the ATM gene, results from a C to T substitution at nucleotide position 520. The leucine at codon 174 is replaced by phenylalanine, an amino acid with highly similar properties. This amino acid position is well conserved in available vertebrate species. In addition, this alteration is predicted to be tolerated by in silico analysis. Based on the available evidence, the clinical significance of this variant remains unclear.

Blueprint Genetics
Classification: Uncertain significance. Last evaluated: 2023-04-27. Review status: criteria provided, single submitter. Criteria: ACMG Guidelines, 2015. Collection method: clinical testing. Allele origin: germline.

Mendelics
Classification: Uncertain significance for Ataxia-telangiectasia syndrome. Last evaluated: 2018-07-02. Review status: criteria provided, single submitter. Criteria: Mendelics Assertion Criteria 2017. Collection method: clinical testing. Allele origin: unknown.

NM_000051.4(ATM):c.520C>T (p.Leu174Phe)

Gene: ATM (ATM serine/threonine kinase; plus strand). Cytogenetic location: 11q22.3.
Variant type: single nucleotide variant.
Coding change: c.520C>T on transcript NM_000051.4 (MANE Select); coding-DNA position 520, C replaced by T.
Protein change: p.Leu174Phe; replaces leucine 174 with phenylalanine.
Molecular consequence: missense variant.
Genome position (GRCh38, 1-based): chr11:108,243,976, C>T. VCF-style: chr11-108243976-C-T. GRCh37 (hg19) VCF-style: chr11-108114703-C-T.
Other names: c.520C>T (NM_000051.3); c.520C>T, p.Leu174Phe (NM_001351834.2); short protein forms L174F.
Identifiers: ClinVar variation 584774 (VCV000584774.7), dbSNP rs1565369274, ClinGen allele CA382527539.